The following is an entry in ClinVar:

NC_012920.1(MT-CYB):m.15414A>T

Gene: MT-CYB (mitochondrially encoded cytochrome b; plus strand).
Variant type: single nucleotide variant.
Genome position: chrM-15414-A-T.
Identifiers: ClinVar variation 693881 (VCV000693881.1), dbSNP rs1603225266, ClinGen allele CA913173804.

ClinVar aggregate classification (germline): Uncertain significance (1 of 4 stars; one submission).

Conditions:
Leigh syndrome (NULS). Also called: Leigh's necrotizing encephalopathy; Leigh's disease; Leigh's syndrome; LEIGH SYNDROME, NUCLEAR; Leigh Syndrome (mtDNA deletion); Leigh Disease. Identifiers: Orphanet 506, MedGen C2931891, MONDO:0009723, OMIM 256000.

Submission:

Wong Mito Lab, Molecular and Human Genetics, Baylor College of Medicine
Classification: Uncertain significance for Leigh syndrome. Last evaluated: 2019-10-17. Review status: criteria provided, single submitter. Criteria: Modified ACMG Guidelines (Unpublished). Collection method: clinical testing. Allele origin: germline.
Comment: The NC_012920.1:m.15414A>T (YP_003024038.1:p.Tyr223Phe) variant in MTCYB gene is interpretated to be a Uncertain Significance variant based on the modified ACMG guidelines (unpublished). This variant meets the following evidence codes: PP7